The following is an entry in ClinVar:

NM_001271938.2(MEGF8):c.8242G>C (p.Gly2748Arg)

Gene: MEGF8 (multiple EGF like domains 8; plus strand). Cytogenetic location: 19q13.2.
Variant type: single nucleotide variant.
Coding change: c.8242G>C on transcript NM_001271938.2 (MANE Select); coding-DNA position 8242, G replaced by C.
Protein change: p.Gly2748Arg; replaces glycine 2748 with arginine.
Molecular consequence: missense variant.
Genome position (GRCh38, 1-based): chr19:42,376,479, G>C. VCF-style: chr19-42376479-G-C. GRCh37 (hg19) VCF-style: chr19-42880631-G-C.
Other names: c.8041G>C, p.Gly2681Arg (NM_001410.3); short protein forms G2681R, G2748R.
Identifiers: ClinVar variation 1375493 (VCV001375493.6), dbSNP rs2147521006, ClinGen allele CA406143231.

ClinVar aggregate classification (germline): Uncertain significance (1 of 4 stars; one submission).

Conditions:
MEGF8-related Carpenter syndrome. Also called: Carpenter syndrome 2. Identifiers: Orphanet 65759, MedGen C3554247, MONDO:0013998, OMIM 614976.

Submission:

Labcorp Genetics (formerly Invitae), Labcorp
Classification: Uncertain significance for MEGF8-related Carpenter syndrome. Last evaluated: 2022-11-15. Review status: criteria provided, single submitter. Criteria: Invitae Variant Classification Sherloc (09022015). Collection method: clinical testing. Allele origin: germline.
Comment: This sequence change replaces glycine, which is neutral and non-polar, with arginine, which is basic and polar, at codon 2681 of the MEGF8 protein (p.Gly2681Arg). This variant is not present in population databases (gnomAD no frequency). In summary, the available evidence is currently insufficient to determine the role of this variant in disease. Therefore, it has been classified as a Variant of Uncertain Significance. Algorithms developed to predict the effect of missense changes on protein structure and function are either unavailable or do not agree on the potential impact of this missense change (SIFT: "Deleterious"; PolyPhen-2: "Possibly Damaging"; Align-GVGD: "Class C0"). ClinVar contains an entry for this variant (Variation ID: 1375493). This variant has not been reported in the literature in individuals affected with MEGF8-related conditions.